The following is an entry in ClinVar:

NM_000368.5(TSC1):c.1897G>A (p.Gly633Arg)

Gene: TSC1 (TSC complex subunit 1; minus strand). Cytogenetic location: 9q34.13.
Variant type: single nucleotide variant.
Coding change: c.1897G>A on transcript NM_000368.5 (MANE Select); coding-DNA position 1897, G replaced by A.
Protein change: p.Gly633Arg; replaces glycine 633 with arginine.
Molecular consequence: missense variant.
Genome position (GRCh38, 1-based): chr9:132,905,681, C>T on the plus strand (G>A on the coding strand, the complement: TSC1 is on the minus strand). VCF-style: chr9-132905681-C-T. GRCh37 (hg19) VCF-style: chr9-135781068-C-T.
Other names: c.1894G>A, p.Gly632Arg (NM_001162426.2); c.1744G>A, p.Gly582Arg (NM_001162427.2); c.1534G>A, p.Gly512Arg (NM_001362177.2); short protein forms G512R, G582R, G632R, G633R.
Identifiers: ClinVar variation 1254303 (VCV001254303.10), dbSNP rs1471587230, ClinGen allele CA375362834.

ClinVar aggregate classification (germline): Conflicting classifications of pathogenicity. Review status: criteria provided, conflicting classifications (1 of 4 stars). 4 submissions from 4 submitters: Uncertain significance (3); Likely benign (1). Last evaluated 2025-01-03.

Conditions:
Tuberous sclerosis 1 (TSC1). Identifiers: Orphanet 805, MedGen C1854465, MONDO:0008612, OMIM 191100.
Isolated focal cortical dysplasia type II (FCORD2). Also called: Focal cortical dysplasia type II; CORTICAL DYSPLASIA OF TAYLOR. Identifiers: Orphanet 268994, MedGen C1846385, MONDO:0011818, OMIM 607341, HP:0032051.
Hereditary cancer-predisposing syndrome. Also called: Tumor predisposition; Hereditary neoplastic syndrome; Neoplastic Syndromes, Hereditary; Hereditary Cancer Syndrome. Identifiers: Orphanet 140162, MedGen C0027672, MeSH D009386, MONDO:0015356.

Allele frequency attached by ClinVar (database versions not stated): gnomAD exomes below 0.00001.

Submissions (4):

Ambry Genetics
Classification: Uncertain significance for Hereditary cancer-predisposing syndrome. Last evaluated: 2025-01-03. Review status: criteria provided, single submitter. Criteria: Ambry Variant Classification Scheme 2023. Collection method: clinical testing. Allele origin: germline.
Comment: The p.G633R variant (also known as c.1897G>A), located in coding exon 13 of the TSC1 gene, results from a G to A substitution at nucleotide position 1897. The glycine at codon 633 is replaced by arginine, an amino acid with dissimilar properties. This amino acid position is conserved. In addition, the in silico prediction for this alteration is inconclusive. Based on the available evidence, the clinical significance of this variant remains unclear.

Labcorp Genetics (formerly Invitae), Labcorp
Classification: Likely benign for Tuberous sclerosis 1. Last evaluated: 2024-11-27. Review status: criteria provided, single submitter. Criteria: Invitae Variant Classification Sherloc (09022015). Collection method: clinical testing. Allele origin: germline.

Baylor Genetics
Classification: Uncertain significance for Isolated focal cortical dysplasia type II. Last evaluated: 2024-01-26. Review status: criteria provided, single submitter. Criteria: ACMG Guidelines, 2015. Collection method: clinical testing. Allele origin: unknown.

GeneDx
Classification: Uncertain significance. Last evaluated: 2021-07-06. Review status: criteria provided, single submitter. Criteria: GeneDx Variant Classification Process June 2021. Collection method: clinical testing. Allele origin: germline. Affected: yes.
Comment: Has not been previously published as pathogenic or benign to our knowledge; In silico analysis supports that this missense variant does not alter protein structure/function; This variant is associated with the following publications: (PMID: 27535533)